The following is an entry in ClinVar:

ClinVar aggregate classification (germline): Uncertain significance (1 of 4 stars; one submission).

Conditions:
Hereditary breast ovarian cancer syndrome. Also called: Hereditary breast and ovarian cancer syndrome (HBOC); Hereditary breast and ovarian cancer syndrome; Breast and ovarian cancer; BRCA1- and BRCA2-Associated Hereditary Breast and Ovarian Cancer; Hereditary breast and ovarian cancer; Hereditary breast and/or ovarian cancer syndrome. Identifiers: Orphanet 145, MedGen C0677776, MeSH D061325, MONDO:0003582. Disease mechanism: loss of function.

Submission:

Labcorp Genetics (formerly Invitae), Labcorp
Classification: Uncertain significance for Hereditary breast ovarian cancer syndrome. Last evaluated: 2023-11-17. Review status: criteria provided, single submitter. Criteria: Invitae Variant Classification Sherloc (09022015). Collection method: clinical testing. Allele origin: germline.
Comment: This sequence change replaces isoleucine, which is neutral and non-polar, with threonine, which is neutral and polar, at codon 813 of the BRCA2 protein (p.Ile813Thr). This variant is not present in population databases (gnomAD no frequency). This variant has not been reported in the literature in individuals affected with BRCA2-related conditions. Advanced modeling of protein sequence and biophysical properties (such as structural, functional, and spatial information, amino acid conservation, physicochemical variation, residue mobility, and thermodynamic stability) performed at Invitae indicates that this missense variant is not expected to disrupt BRCA2 protein function with a negative predictive value of 95%. In summary, the available evidence is currently insufficient to determine the role of this variant in disease. Therefore, it has been classified as a Variant of Uncertain Significance.

NM_000059.4(BRCA2):c.2438T>C (p.Ile813Thr)

Gene: BRCA2 (BRCA2 DNA repair associated; plus strand). Cytogenetic location: 13q13.1.
Variant type: single nucleotide variant.
Coding change: c.2438T>C on transcript NM_000059.4 (MANE Select); coding-DNA position 2438, T replaced by C.
Protein change: p.Ile813Thr; replaces isoleucine 813 with threonine.
Molecular consequence: missense variant. On other transcripts: non-coding transcript variant (1), intron variant (2).
Genome position (GRCh38, 1-based): chr13:32,336,793, T>C. VCF-style: chr13-32336793-T-C. GRCh37 (hg19) VCF-style: chr13-32910930-T-C.
Other names: c.2438T>C, p.Ile813Thr (NM_001406719.1, NM_001406720.1); c.1909+3406T>C (NM_001406721.1); c.424+5763T>C (NM_001406722.1); short protein forms I813T.
Identifiers: ClinVar variation 2849038 (VCV002849038.3), dbSNP rs2137486469, ClinGen allele CA387772207.
Genomic context (GRCh38, chr13:32,336,793, plus strand): 5'-AAATGTCAGACAAGCTCAAAGGTAACAATTATGAATCTGATGTTGAATTAACCAAAAATA[T>C]TCCCATGGAAAAGAATCAAGATGTATGTGCTTTAAATGAAAATTATAAAAACGTTGAGCT-3'
Protein context (NP_000050.3, residues 803-823): YESDVELTKN[Ile813Thr]PMEKNQDVCA